The following is an entry in ClinVar:

ClinVar aggregate classification (germline): Pathogenic (1 of 4 stars; one submission).

Conditions:
Peroxisome biogenesis disorder. Identifiers: Orphanet 79189, MedGen C1832200, MONDO:0019234. Disease mechanism: loss of function.

Submission:

Myriad Genetics, Inc.
Classification: Pathogenic for Peroxisome biogenesis disorder. Last evaluated: 2023-09-27. Review status: criteria provided, single submitter. Criteria: Myriad Autosomal Dominant, Autosomal Recessive and X-Linked Classification Criteria (2023). Collection method: clinical testing. Allele origin: unknown.
Comment: NM_000466.2(PEX1):c.1917dupC(I640Hfs*24) is expected to be pathogenic in the context of peroxisome biogenesis disorder type 1. This variant is predicted to lead to an abnormal or absent protein product due to the creation of a premature termination codon in PEX1, a gene where loss-of-function variants are known to be pathogenic. Please note: this variant was assessed in the context of healthy population screening.

NM_000466.3(PEX1):c.1917dup (p.Ile640fs)

Gene: PEX1 (peroxisomal biogenesis factor 1; minus strand). Cytogenetic location: 7q21.2.
Variant type: Duplication.
Coding change: c.1917dup on transcript NM_000466.3 (MANE Select); coding-DNA position 1917, one base duplicated (C; older notation c.1917dupC).
Protein change: p.Ile640fs; shifts the reading frame from isoleucine 640.
Molecular consequence: frameshift variant. On other transcripts: intron variant (1).
Genome position (GRCh38, 1-based): chr7:92,504,886, G duplicated on the plus strand (C on the coding strand, the reverse complement: PEX1 is on the minus strand). VCF-style (leftmost placement, unchanged base first): chr7-92504885-T-TG. GRCh37 (hg19) VCF-style: chr7-92134199-T-TG.
Other names: c.1293dup, p.Ile432fs (NM_001282678.2); c.1900+1362dup (NM_001282677.2); short protein forms I432fs, I640fs.
Identifiers: ClinVar variation 5012282 (VCV005012282.1).